The following is an entry in ClinVar:

NM_000038.6(APC):c.7367T>C (p.Leu2456Ser)

Gene: APC (APC regulator of Wnt signaling pathway; plus strand). Cytogenetic location: 5q22.2.
Variant type: single nucleotide variant.
Coding change: c.7367T>C on transcript NM_000038.6 (MANE Select); coding-DNA position 7367, T replaced by C.
Protein change: p.Leu2456Ser; replaces leucine 2456 with serine.
Molecular consequence: missense variant. On other transcripts: non-coding transcript variant (2).
Genome position (GRCh38, 1-based): chr5:112,842,961, T>C. VCF-style: chr5-112842961-T-C. GRCh37 (hg19) VCF-style: chr5-112178658-T-C.
Other names: c.7367T>C, p.Leu2456Ser (NM_001127510.3, NM_001354895.2, NM_001407450.1); c.7313T>C, p.Leu2438Ser (NM_001127511.3); c.7421T>C, p.Leu2474Ser (NM_001407447.1, NM_001407448.1, NM_001407449.1 and 1 more transcripts); c.7346T>C, p.Leu2449Ser (NM_001407451.1); c.7337T>C, p.Leu2446Ser (NM_001407452.1); c.7190T>C, p.Leu2397Ser (NM_001407453.1, NM_001354901.2); c.7118T>C, p.Leu2373Ser (NM_001407454.1, NM_001407455.1, NM_001407456.1 and 1 more transcripts); c.7064T>C, p.Leu2355Ser (NM_001407458.1, NM_001407459.1, NM_001407460.1 and 1 more transcripts); and 11 more; short protein forms L2474S, L2484S, L2072S, L2330S, L2355S, L2365S, L2431S, L2446S.
Identifiers: ClinVar variation 2706788 (VCV002706788.3), dbSNP rs564536744, ClinGen allele CA16037377.

ClinVar aggregate classification (germline): Uncertain significance (1 of 4 stars; one submission).

Conditions:
Familial adenomatous polyposis 1 (FAP1). Also called: POLYPOSIS, ADENOMATOUS INTESTINAL; FAMILIAL ADENOMATOUS POLYPOSIS 1, ATTENUATED. Identifiers: MedGen C2713442, MONDO:0021056, OMIM 175100. Disease mechanism: loss of function.

Submission:

Labcorp Genetics (formerly Invitae), Labcorp
Classification: Uncertain significance for Familial adenomatous polyposis 1. Last evaluated: 2023-12-31. Review status: criteria provided, single submitter. Criteria: Invitae Variant Classification Sherloc (09022015). Collection method: clinical testing. Allele origin: germline.
Comment: This sequence change replaces leucine, which is neutral and non-polar, with serine, which is neutral and polar, at codon 2456 of the APC protein (p.Leu2456Ser). This variant is not present in population databases (gnomAD no frequency). This variant has not been reported in the literature in individuals affected with APC-related conditions. Advanced modeling of protein sequence and biophysical properties (such as structural, functional, and spatial information, amino acid conservation, physicochemical variation, residue mobility, and thermodynamic stability) performed at Invitae indicates that this missense variant is not expected to disrupt APC protein function with a negative predictive value of 95%. In summary, the available evidence is currently insufficient to determine the role of this variant in disease. Therefore, it has been classified as a Variant of Uncertain Significance.